The following is an entry in ClinVar:

ClinVar aggregate classification (germline): Uncertain significance (1 of 4 stars; one submission).

Allele frequency attached by ClinVar (database versions not stated): gnomAD exomes below 0.00001; ExAC 0.00001; TOPMed 0.00002.
gnomAD v4.1: 5 of 1,614,182 alleles (0.00031%); highest among the groups gnomAD compares: Admixed American, 0.0083%; no homozygotes.

Submission:

Labcorp Genetics (formerly Invitae), Labcorp
Classification: Uncertain significance. Last evaluated: 2023-08-04. Review status: criteria provided, single submitter. Criteria: Invitae Variant Classification Sherloc (09022015). Collection method: clinical testing. Allele origin: germline.
Comment: In summary, the available evidence is currently insufficient to determine the role of this variant in disease. Therefore, it has been classified as a Variant of Uncertain Significance. Algorithms developed to predict the effect of sequence changes on RNA splicing suggest that this variant may create or strengthen a splice site. ClinVar contains an entry for this variant (Variation ID: 1956148). This variant has not been reported in the literature in individuals affected with FUK-related conditions. This variant is present in population databases (rs755746965, gnomAD 0.009%). This sequence change affects codon 205 of the FUK mRNA. It is a 'silent' change, meaning that it does not change the encoded amino acid sequence of the FUK protein.

NM_145059.3(FCSK):c.615T>C (p.Thr205=)

Gene: FCSK (fucose kinase; plus strand). Cytogenetic location: 16q22.1.
Variant type: single nucleotide variant.
Coding change: c.615T>C on transcript NM_145059.3 (MANE Select); coding-DNA position 615, T replaced by C.
Protein change: p.Thr205=; no amino-acid change (threonine 205 retained).
Molecular consequence: synonymous variant.
Genome position (GRCh38, 1-based): chr16:70,467,918, T>C. VCF-style: chr16-70467918-T-C. GRCh37 (hg19) VCF-style: chr16-70501821-T-C.
Identifiers: ClinVar variation 1956148 (VCV001956148.5), dbSNP rs755746965, ClinGen allele CA8143014.